The following is an entry in ClinVar:

NM_001458.5(FLNC):c.3236C>A (p.Thr1079Asn)

Gene: FLNC (filamin C; plus strand). Cytogenetic location: 7q32.1.
Variant type: single nucleotide variant.
Coding change: c.3236C>A on transcript NM_001458.5 (MANE Select); coding-DNA position 3236, C replaced by A.
Protein change: p.Thr1079Asn; replaces threonine 1079 with asparagine.
Molecular consequence: missense variant.
Genome position (GRCh38, 1-based): chr7:128,844,701, C>A. VCF-style: chr7-128844701-C-A. GRCh37 (hg19) VCF-style: chr7-128484755-C-A.
Other names: c.3236C>A, p.Thr1079Asn (NM_001127487.2); short protein forms T1079N.
Identifiers: ClinVar variation 1433008 (VCV001433008.6), dbSNP rs2128936356, ClinGen allele CA369196240.
Genomic context (GRCh38, chr7:128,844,701, plus strand): 5'-CCTGCCTCTTCCCCTAGGTCTGTGCTTATGGCCCGGGTCTCAAGGGTGGACTGGTAGGCA[C>A]CCCCGCGCCATTCTCCATCGACACCAAGGGGGCTGGCACAGGTGGCCTGGGGCTGACCGT-3'
Protein context (NP_001449.3, residues 1069-1089): GPGLKGGLVG[Thr1079Asn]PAPFSIDTKG

ClinVar aggregate classification (germline): Uncertain significance (1 of 4 stars; one submission).

Conditions:
Myofibrillar myopathy 5. Also called: FILAMINOPATHY, AUTOSOMAL DOMINANT; Filaminopathy (type). Identifiers: Orphanet 171445, MedGen C1836050, MONDO:0012289, OMIM 609524.
Hypertrophic cardiomyopathy 26. Also called: Cardiomyopathy, familial hypertrophic, 26. Identifiers: Orphanet 75249, MedGen C4310749, MONDO:0014883, OMIM 617047.
Distal myopathy with posterior leg and anterior hand involvement. Also called: WILLIAMS DISTAL MYOPATHY. Identifiers: Orphanet 63273, MedGen C3279722, MONDO:0013550, OMIM 614065.

Submission:

Labcorp Genetics (formerly Invitae), Labcorp
Classification: Uncertain significance for Distal myopathy with posterior leg and anterior hand involvement; Myofibrillar myopathy 5; Hypertrophic cardiomyopathy 26. Last evaluated: 2025-07-09. Review status: criteria provided, single submitter. Criteria: Invitae Variant Classification Sherloc (09022015). Collection method: clinical testing. Allele origin: germline.
Comment: This sequence change replaces threonine, which is neutral and polar, with asparagine, which is neutral and polar, at codon 1079 of the FLNC protein (p.Thr1079Asn). This variant is not present in population databases (gnomAD no frequency). This variant has not been reported in the literature in individuals affected with FLNC-related conditions. ClinVar contains an entry for this variant (Variation ID: 1433008). Invitae Evidence Modeling of protein sequence and biophysical properties (such as structural, functional, and spatial information, amino acid conservation, physicochemical variation, residue mobility, and thermodynamic stability) has been performed for this missense variant. However, the output from this modeling did not meet the statistical confidence thresholds required to predict the impact of this variant on FLNC protein function. In summary, the available evidence is currently insufficient to determine the role of this variant in disease. Therefore, it has been classified as a Variant of Uncertain Significance.